The following is an entry in ClinVar:

NM_000543.5(SMPD1):c.102C>G (p.Gly34=)

Gene: SMPD1 (sphingomyelin phosphodiesterase 1; plus strand). Cytogenetic location: 11p15.4.
Variant type: single nucleotide variant.
Coding change: c.102C>G on transcript NM_000543.5 (MANE Select); coding-DNA position 102, C replaced by G.
Protein change: p.Gly34=; no amino-acid change (glycine 34 retained).
Molecular consequence: synonymous variant. On other transcripts: 5 prime UTR variant (1), non-coding transcript variant (2).
Genome position (GRCh38, 1-based): chr11:6,390,700, C>G. VCF-style: chr11-6390700-C-G. GRCh37 (hg19) VCF-style: chr11-6411930-C-G.
Other names: c.102C>G, p.Gly34= (NM_001007593.3, NM_001318087.2, NM_001365135.2); c.-860C>G (NM_001318088.2).
Identifiers: ClinVar variation 598096 (VCV000598096.17), dbSNP rs889113421, ClinGen allele CA5852478.

ClinVar aggregate classification (germline): Conflicting classifications of pathogenicity. Review status: criteria provided, conflicting classifications (1 of 4 stars). 3 submissions from 3 submitters: Uncertain significance (1); Likely benign (1). 1 of the submissions does not count toward it. Last evaluated 2026-01-28.

Conditions:
SMPD1-related disorder. Also called: SMPD1-related condition.
Niemann-Pick disease, type B. Also called: Chronic Visceral ASMD (Niemann-Pick Disease Type B; NPD-B). Identifiers: Orphanet 77293, MedGen C0268243, MONDO:0011871, OMIM 607616. Disease mechanism: loss of function.
Niemann-Pick disease, type A. Also called: SPHINGOMYELIN LIPIDOSIS; SPHINGOMYELINASE DEFICIENCY; Infantile Neurovisceral ASMD (Niemann-Pick Disease Type A; NPD-A). Identifiers: Orphanet 77292, MedGen C0268242, MONDO:0009756, OMIM 257200. Disease mechanism: loss of function.

Allele frequency attached by ClinVar (database versions not stated): gnomAD 0.00002 and 0.00003; gnomAD exomes 0.00003; TOPMed 0.00004.
gnomAD v4.1: 29 of 1,546,856 alleles (0.0019%); highest among the groups gnomAD compares: Admixed American, 0.0087%; no homozygotes.

Submissions (3):

Labcorp Genetics (formerly Invitae), Labcorp
Classification: Likely benign for Niemann-Pick disease, type B; Niemann-Pick disease, type A. Last evaluated: 2026-01-28. Review status: criteria provided, single submitter. Criteria: Invitae Variant Classification Sherloc (09022015). Collection method: clinical testing. Allele origin: germline.

Eurofins Ntd Llc (ga)
Classification: Uncertain significance. Last evaluated: 2018-07-19. Review status: criteria provided, single submitter. Criteria: EGL ClinVar v180209 classification definitions. Collection method: clinical testing. Allele origin: germline. Observed: 1 variant allele, 1 heterozygote.

PreventionGenetics, part of Exact Sciences
Classification: Likely benign for SMPD1-related condition. Last evaluated: 2024-02-28. Review status: no assertion criteria provided. Collection method: clinical testing. Allele origin: germline. Not counted in ClinVar's aggregate classification.
Comment: This variant is classified as likely benign based on ACMG/AMP sequence variant interpretation guidelines (Richards et al. 2015 PMID: 25741868, with internal and published modifications).